The following is an entry in ClinVar:

ClinVar aggregate classification (germline): Benign/Likely benign; drug response; other. Review status: criteria provided, multiple submitters, no conflicts (2 of 4 stars). 6 submissions from 5 submitters: Benign (1); Likely benign (1). 1 of the submissions does not count toward it. Last evaluated 2023-11-01.

Conditions:
Debrisoquine, poor metabolism of. Identifiers: MedGen C1837156.
Tamoxifen response. Also called: Nolvadex response. Identifiers: MedGen CN078013.
Deutetrabenazine response. Also called: Austedo response. Identifiers: MedGen CN258189.

Allele frequency attached by ClinVar (database versions not stated): TOPMed 0.00711; gnomAD exomes 0.00792 and 0.01115; ExAC 0.00793; gnomAD 0.00862 and 0.00883; 1000 Genomes Project 0.00479; 1000 Genomes Project 30x 0.00484; ESP Exome Variant Server 0.00665.

Submissions (6):

CeGaT Center for Human Genetics Tuebingen
Classification: Benign. Last evaluated: 2023-11-01. Review status: criteria provided, single submitter. Criteria: CeGaT Center For Human Genetics Tuebingen Variant Classification Criteria Version 2. Collection method: clinical testing. Allele origin: germline. Affected: yes. Observed: 1 variant allele.
Comment: CYP2D6: BS1, BS2

Medical Genetics Summaries
Classification: drug response for Deutetrabenazine response. Last evaluated: 2019-05-01. Review status: criteria provided, single submitter. Criteria: Deutetrabenazine Therapy and CYP2D6 Genotype. Collection method: curation. Allele origin: germline.
Comment: Individuals who do not have any fully functional alleles are either intermediate metabolizers (one decreased function and one no function allele, e.g., *6/*41) or poor metabolizers (2 no function alleles, e.g., *6/*6). Therapeutic recommendations from professional societies state that the maximum dose of deutetrabenazine should not exceed 36 mg per day in individuals with 2 decreased function alleles (CYP2D6 poor metabolizers) to avoid abnormally high plasma levels due to reduced metabolic clearance.

Medical Genetics Summaries
Classification: drug response for Tamoxifen response. Last evaluated: 2019-05-01. Review status: criteria provided, single submitter. Criteria: Tamoxifen Therapy and CYP2D6 Genotype. Collection method: curation. Allele origin: germline.
Comment: Individuals who do not have any fully functional alleles are either intermediate metabolizers (one decreased function and one no function allele, e.g., *4/*41) or poor metabolizers (2 no function alleles, e.g., *4/*4). Currently, there is no consensus on therapeutic guidelines for tamoxifen based on CYP2D6 genotype. Professional societies suggest that poor metabolizers may benefit less from tamoxifen therapy because they have lower concentrations of tamoxifen's major active metabolite, endoxifin, compared with normal metabolizers.

Eurofins Ntd Llc (ga)
Classification: other. Last evaluated: 2018-08-06. Review status: criteria provided, single submitter. Criteria: EGL ClinVar v180209 classification definitions. Collection method: clinical testing. Allele origin: germline.

GeneDx
Classification: Likely benign. Last evaluated: 2018-03-14. Review status: criteria provided, single submitter. Criteria: GeneDx Variant Classification (06012015). Collection method: clinical testing. Allele origin: germline. Affected: yes.
Comment: This variant is considered likely benign or benign based on one or more of the following criteria: it is a conservative change, it occurs at a poorly conserved position in the protein, it is predicted to be benign by multiple in silico algorithms, and/or has population frequency not consistent with disease.

OMIM
Classification: drug response for DEBRISOQUINE, POOR METABOLISM OF. Last evaluated: 1994-06-01. Review status: no assertion criteria provided. Collection method: literature only. Allele origin: germline. Not counted in ClinVar's aggregate classification.

Literature cited by the submitters: PubMed 27380339 (cited by Medical Genetics Summaries); PubMed 27380342 (cited by Medical Genetics Summaries); PubMed 27819145 (cited by Medical Genetics Summaries); PubMed 29497277 (cited by Medical Genetics Summaries); PubMed 28265459 (cited by Medical Genetics Summaries); PubMed 29449008 (cited by Medical Genetics Summaries); PubMed 29385237 (cited by Medical Genetics Summaries); PubMed 21814747 (cited by Medical Genetics Summaries); PubMed 15159443 (cited by Medical Genetics Summaries); PubMed 24697814 (cited by Medical Genetics Summaries); PubMed 28955222 (cited by Medical Genetics Summaries); PubMed 29459457 (cited by Medical Genetics Summaries); PubMed 29801584 (cited by Medical Genetics Summaries); PubMed 27883289 (cited by Medical Genetics Summaries); PubMed 28592184 (cited by Medical Genetics Summaries); PubMed 27249031 (cited by Medical Genetics Summaries); PubMed 27060675 (cited by Medical Genetics Summaries); PubMed 27551126 (cited by Medical Genetics Summaries); PubMed 27226358 (cited by Medical Genetics Summaries); PubMed 29183390 (cited by Medical Genetics Summaries); PubMed 28762370 (cited by Medical Genetics Summaries); PubMed 23872831 (cited by Medical Genetics Summaries); PubMed 24033728 (cited by Medical Genetics Summaries); PubMed 29135105 (cited by Medical Genetics Summaries); PubMed 28730340 (cited by Medical Genetics Summaries); PubMed 22395644 (cited by Medical Genetics Summaries); PubMed 22395643 (cited by Medical Genetics Summaries); PubMed 27988492 (cited by Medical Genetics Summaries); PubMed 30676859 (cited by Medical Genetics Summaries); PubMed 17761971 (cited by Medical Genetics Summaries); PubMed 25091503 (cited by Medical Genetics Summaries); PubMed 24329190 (cited by Medical Genetics Summaries); PubMed 24060820 (cited by Medical Genetics Summaries); PubMed 27797974 (cited by Medical Genetics Summaries); PubMed 19809024 (cited by Medical Genetics Summaries); PubMed 7951238 (cited by OMIM).

CYP2D6*6

Gene: CYP2D6 (cytochrome P450 family 2 subfamily D member 6 (gene/pseudogene); minus strand). Cytogenetic location: 22q13.2.
Variant type: Deletion.
Molecular consequence: frameshift variant (on NM_000106.6). On other transcripts: intron variant (1).
Genome position: GRCh38 VCF-style: chr22-42129083-CA-C. GRCh37 (hg19) VCF-style: chr22-42525085-CA-C.
Other names: NM_000106.5(CYP2D6):c.454delT (p.Trp152Glyfs); CYP2D6T; 1707delT; c.454del, p.Trp152fs (LRG_303t1, NM_000106.6); c.353-140del (NM_001025161.3); c.454delT (NM_000106.5); short protein forms W152fs.
Identifiers: ClinVar variation 16891 (VCV000016891.35), dbSNP rs5030655, ClinGen allele CA126953.